The following is an entry in ClinVar:

NM_001166114.2(PNPLA6):c.2634G>A (p.Gln878=)

Gene: PNPLA6 (patatin like domain 6, lysophospholipase; plus strand). Cytogenetic location: 19p13.2.
Variant type: single nucleotide variant.
Coding change: c.2634G>A on transcript NM_001166114.2 (MANE Select); coding-DNA position 2634, G replaced by A.
Protein change: p.Gln878=; no amino-acid change (glutamine 878 retained).
Molecular consequence: synonymous variant.
Genome position (GRCh38, 1-based): chr19:7,554,723, G>A. VCF-style: chr19-7554723-G-A. GRCh37 (hg19) VCF-style: chr19-7619609-G-A.
Other names: c.2664G>A, p.Gln888= (NM_001166111.2); c.2439G>A, p.Gln813= (NM_001166112.2); c.2520G>A, p.Gln840= (NM_001166113.1, NM_006702.5).
Identifiers: ClinVar variation 2168430 (VCV002168430.4), dbSNP rs1485985436, ClinGen allele CA505243506.
Genomic context (GRCh38, chr19:7,554,723, plus strand): 5'-GCGACAGGCCGACTGCATCCTCATTGTGGGCCTGGGGGACCAGGAGCCTACCCTCGGCCA[G>A]GTCGGAAGCCCGTGCCCCCTGATCTCACCCACCTCGGGTCCCGTCCTTTGCCCTCCCGTG-3'
Protein context (NP_001159586.1, residues 868-888): GLGDQEPTLG[Gln878=]LEQMLENTAV

ClinVar aggregate classification (germline): Uncertain significance (1 of 4 stars; one submission).

Conditions:
Hereditary spastic paraplegia 39 (SPG39). Also called: Spastic Paraplegia Type 39 (SPG39); SPASTIC PARAPLEGIA 39, AUTOSOMAL RECESSIVE. Identifiers: Orphanet 139480, MedGen C2677586, MONDO:0012787, OMIM 612020.

Allele frequency attached by ClinVar (database versions not stated): gnomAD exomes below 0.00001.
gnomAD v4.1: 1 of 1,612,200 alleles (0.000062%); highest among the groups gnomAD compares: Non-Finnish European, 0.000085%; no homozygotes.

Submission:

Labcorp Genetics (formerly Invitae), Labcorp
Classification: Uncertain significance for Hereditary spastic paraplegia 39. Last evaluated: 2022-01-26. Review status: criteria provided, single submitter. Criteria: Invitae Variant Classification Sherloc (09022015). Collection method: clinical testing. Allele origin: germline.
Comment: In summary, the available evidence is currently insufficient to determine the role of this variant in disease. Therefore, it has been classified as a Variant of Uncertain Significance. Variants that disrupt the consensus splice site are a relatively common cause of aberrant splicing (PMID: 17576681, 9536098). Algorithms developed to predict the effect of sequence changes on RNA splicing suggest that this variant may disrupt the consensus splice site. This variant has not been reported in the literature in individuals affected with PNPLA6-related conditions. This variant is present in population databases (no rsID available, gnomAD 0.0009%). This sequence change affects codon 840 of the PNPLA6 mRNA. It is a 'silent' change, meaning that it does not change the encoded amino acid sequence of the PNPLA6 protein. This variant also falls at the last nucleotide of exon 24, which is part of the consensus splice site for this exon.

Literature cited by the submitters: PubMed 17576681; PubMed 9536098.